The following is an entry in ClinVar:

NM_004415.4(DSP):c.5222C>T (p.Ala1741Val)

Gene: DSP (desmoplakin; plus strand). Cytogenetic location: 6p24.3.
Variant type: single nucleotide variant.
Coding change: c.5222C>T on transcript NM_004415.4 (MANE Select); coding-DNA position 5222, C replaced by T.
Protein change: p.Ala1741Val; replaces alanine 1741 with valine.
Molecular consequence: missense variant. On other transcripts: intron variant (2).
Genome position (GRCh38, 1-based): chr6:7,581,412, C>T. VCF-style: chr6-7581412-C-T. GRCh37 (hg19) VCF-style: chr6-7581645-C-T.
Other names: c.4050+1172C>T (NM_001319034.2); c.3583-1230C>T (NM_001008844.3); short protein forms A1741V.
Identifiers: ClinVar variation 809872 (VCV000809872.59), dbSNP rs749124581, ClinGen allele CA044325.

ClinVar aggregate classification (germline): Conflicting classifications of pathogenicity. Review status: criteria provided, conflicting classifications (1 of 4 stars). 5 submissions from 5 submitters: Uncertain significance (3); Benign (1); Likely benign (1). Last evaluated 2025-12-26.

Conditions:
Arrhythmogenic cardiomyopathy with wooly hair and keratoderma. Also called: Dilated cardiomyopathy with woolly hair and keratoderma; PALMOPLANTAR KERATODERMA WITH LEFT VENTRICULAR CARDIOMYOPATHY AND WOOLLY HAIR; Arrhythmogenic cardiomyopathy with woolly hair and keratoderma; Carvajal syndrome. Identifiers: Orphanet 65282, MedGen C1854063, MONDO:0011581, OMIM 605676.
Arrhythmogenic right ventricular dysplasia 8 (ARVD8). Also called: ARRHYTHMOGENIC RIGHT VENTRICULAR DYSPLASIA, FAMILIAL, 8; ARRHYTHMOGENIC RIGHT VENTRICULAR CARDIOMYOPATHY 8; Arrhythmogenic Right Ventricular Dysplasia/Cardiomyopathy 8. Identifiers: MedGen C1843896, MONDO:0011831, OMIM 607450.
Cardiovascular phenotype. Identifiers: MedGen CN230736.
Cardiomyopathy (CMYO). Also called: Cardiomyopathies. Identifiers: Orphanet 167848, MedGen C0878544, MONDO:0004994, HP:0001638. Inheritance: Various modes of inheritance.

Allele frequency attached by ClinVar (database versions not stated): gnomAD exomes 0.00001 and 0.00004; ExAC 0.00008.
gnomAD v4.1: 21 of 1,613,254 alleles (0.0013%); highest among the groups gnomAD compares: South Asian, 0.011%; no homozygotes.

Submissions (5):

Color Diagnostics, LLC DBA Color Health
Classification: Uncertain significance for Cardiomyopathy. Last evaluated: 2025-12-26. Review status: criteria provided, single submitter. Criteria: ACMG Guidelines, 2015. Collection method: clinical testing. Allele origin: germline.
Comment: This missense variant replaces alanine with valine at codon 1741 of the DSP protein. Computational prediction suggests that this variant may not impact protein structure and function. To our knowledge, functional studies have not been reported for this variant. This variant has not been reported in individuals affected with DSP-related disorders in the literature. This variant has been identified in 11/251040 chromosomes in the general population by the Genome Aggregation Database (gnomAD). The available evidence is insufficient to determine the role of this variant in disease conclusively. Therefore, this variant is classified as a Variant of Uncertain Significance.

Labcorp Genetics (formerly Invitae), Labcorp
Classification: Benign for Arrhythmogenic cardiomyopathy with wooly hair and keratoderma; Arrhythmogenic right ventricular dysplasia 8. Last evaluated: 2025-06-25. Review status: criteria provided, single submitter. Criteria: Invitae Variant Classification Sherloc (09022015). Collection method: clinical testing. Allele origin: germline.

All of Us Research Program, National Institutes of Health
Classification: Uncertain significance for Arrhythmogenic cardiomyopathy with wooly hair and keratoderma. Last evaluated: 2023-12-01. Review status: criteria provided, single submitter. Criteria: ACMG Guidelines, 2015. Collection method: clinical testing. Allele origin: germline. Inheritance: Autosomal dominant inheritance. Observed: 3 variant alleles, 3 heterozygotes.
Comment: This missense variant replaces alanine with valine at codon 1741 of the DSP protein. Computational prediction suggests that this variant may not impact protein structure and function (internally defined REVEL score threshold <= 0.5, PMID: 27666373). To our knowledge, functional studies have not been reported for this variant. This variant has not been reported in individuals affected with DSP-related disorders in the literature. This variant has been identified in 11/251040 chromosomes in the general population by the Genome Aggregation Database (gnomAD). The available evidence is insufficient to determine the role of this variant in disease conclusively. Therefore, this variant is classified as a Variant of Uncertain Significance.

This study involves interpretation of variants in research participants for the purpose of population health screening. Participant phenotype was not available at the time of variant classification. Additional details can be found in publication PMID: 35346344, PMCID: PMC8962531

Ambry Genetics
Classification: Likely benign for Cardiovascular phenotype. Last evaluated: 2023-02-09. Review status: criteria provided, single submitter. Criteria: Ambry Variant Classification Scheme 2023. Collection method: clinical testing. Allele origin: germline.

CeGaT Center for Human Genetics Tuebingen
Classification: Uncertain significance. Last evaluated: 2019-03-01. Review status: criteria provided, single submitter. Criteria: CeGaT Center For Human Genetics Tuebingen Variant Classification Criteria Version 2. Collection method: clinical testing. Allele origin: germline. Affected: yes. Observed: 1 variant allele.